The following is an entry in ClinVar:

ClinVar aggregate classification (germline): Likely benign. Review status: criteria provided, multiple submitters, no conflicts (2 of 4 stars). 4 submissions from 4 submitters: Likely benign (3). 1 of the submissions does not count toward it. Last evaluated 2024-11-19.

Conditions:
NRG1-related disorder. Also called: NRG1-related condition.

Allele frequency attached by ClinVar (database versions not stated): ExAC 0.00259; gnomAD 0.00259 and 0.00262; gnomAD exomes 0.00278; 1000 Genomes Project 0.00280; 1000 Genomes Project 30x 0.00281; TOPMed 0.00296; ESP Exome Variant Server 0.00354.
gnomAD v4.1: 5,187 of 1,613,938 alleles (0.32%); highest among the groups gnomAD compares: Admixed American, 0.44%; 15 homozygotes.

Submissions (4):

Blueprint Genetics
Classification: Likely benign. Last evaluated: 2024-11-19. Review status: criteria provided, single submitter. Criteria: ACMG Guidelines, 2015. Collection method: clinical testing. Allele origin: germline.

Labcorp Genetics (formerly Invitae), Labcorp
Classification: Likely benign. Last evaluated: 2019-12-31. Review status: criteria provided, single submitter. Criteria: Invitae Variant Classification Sherloc (09022015). Collection method: clinical testing. Allele origin: germline.

Breakthrough Genomics
Classification: Likely benign. Review status: criteria provided, single submitter. Criteria: ACMG Guidelines, 2015. Collection method: not provided. Allele origin: germline. Inheritance: Unknown mechanism. Affected: yes.

PreventionGenetics, part of Exact Sciences
Classification: Benign for NRG1-related condition. Last evaluated: 2019-07-18. Review status: no assertion criteria provided. Collection method: clinical testing. Allele origin: germline. Not counted in ClinVar's aggregate classification.
Comment: This variant is classified as benign based on ACMG/AMP sequence variant interpretation guidelines (Richards et al. 2015 PMID: 25741868, with internal and published modifications).

NM_013964.5(NRG1):c.1232C>G (p.Thr411Ser)

Genes: NRG1 (neuregulin 1; plus strand), LOC126860346 (BRD4-independent group 4 enhancer GRCh37_chr8:32617179-32618378; plus strand). Cytogenetic location: 8p12.
Variant type: single nucleotide variant.
Coding change: c.1232C>G on transcript NM_013964.5 (MANE Select); coding-DNA position 1232, C replaced by G.
Protein change: p.Thr411Ser; replaces threonine 411 with serine.
Molecular consequence: missense variant.
Genome position (GRCh38, 1-based): chr8:32,760,370, C>G. VCF-style: chr8-32760370-C-G. GRCh37 (hg19) VCF-style: chr8-32617888-C-G.
Other names: c.1412C>G (NM_001322205.1); c.1133C>G, p.Thr378Ser (NM_001159995.3); c.770C>G, p.Thr257Ser (NM_001159996.3); c.1184C>G, p.Thr395Ser (NM_001159999.3); c.1082C>G, p.Thr361Ser (NM_001160001.3); c.1223C>G, p.Thr408Ser (NM_001160004.3, NM_001160008.2, NM_013957.5); c.761C>G, p.Thr254Ser (NM_001322197.2); c.458C>G, p.Thr153Ser (NM_001322201.2, NM_001322202.2); and 3 more; short protein forms T411S, T153S, T257S, T361S, T378S, T471S, T254S, T395S.
Identifiers: ClinVar variation 730052 (VCV000730052.8), dbSNP rs62497784, ClinGen allele CA4706043.